The following is an entry in ClinVar:

ClinVar aggregate classification (germline): Uncertain significance (1 of 4 stars; one submission).

Conditions:
Hereditary cancer-predisposing syndrome. Also called: Neoplastic Syndromes, Hereditary; Tumor predisposition; Hereditary Cancer Syndrome; Hereditary neoplastic syndrome. Identifiers: Orphanet 140162, MedGen C0027672, MeSH D009386, MONDO:0015356.

Submission:

Ambry Genetics
Classification: Uncertain significance for Hereditary cancer-predisposing syndrome. Last evaluated: 2024-11-08. Review status: criteria provided, single submitter. Criteria: Ambry Variant Classification Scheme 2023. Collection method: clinical testing. Allele origin: germline.
Comment: The c.1775+2T>G intronic variant results from a T to G substitution two nucleotides after coding exon 13 in the POLD1 gene. This nucleotide position is highly conserved in available vertebrate species. In silico splice site analysis predicts that this alteration will weaken the native splice donor site and may result in the creation or strengthening of a novel splice donor site. Alterations that disrupt the canonical splice site are expected to cause aberrant splicing, resulting in an abnormal protein or a transcript that is subject to nonsense-mediated mRNA decay. However, loss of function of POLD1 has not been established as a mechanism of disease. Based on the available evidence, the clinical significance of this alteration remains unclear.

NM_002691.4(POLD1):c.1775+2T>G

Gene: POLD1 (DNA polymerase delta 1, catalytic subunit; plus strand). Cytogenetic location: 19q13.33.
Variant type: single nucleotide variant.
Coding change: c.1775+2T>G on transcript NM_002691.4 (MANE Select); the canonical splice donor site of the intron after coding-DNA position 1775, T replaced by G.
Molecular consequence: splice donor variant.
Genome position (GRCh38, 1-based): chr19:50,407,417, T>G. VCF-style: chr19-50407417-T-G. GRCh37 (hg19) VCF-style: chr19-50910674-T-G.
Other names: c.1775+2T>G (NM_001256849.1, NM_001308632.1).
Identifiers: ClinVar variation 3421974 (VCV003421974.1).
Genomic context (GRCh38, chr19:50,407,417, plus strand): 5'-GTGAAGTCAGAGGGCGGCGAGGACTACACGGGAGCCACTGTCATCGAGCCCCTCAAAGGG[T>G]GAGGCCCCAGGCTGGGTGCAGTTTTTACCTGTAATCTCTGGGAGGCTGAGGTGGGAGGAT-3'